The following is an entry in ClinVar:

ClinVar aggregate classification (germline): Likely benign. Review status: criteria provided, multiple submitters, no conflicts (2 of 4 stars). 3 submissions from 3 submitters: Likely benign (2). 1 of the submissions does not count toward it. Last evaluated 2026-05-12.

Conditions:
NF1-related disorder. Also called: NF1-related condition. Identifiers: MedGen CN379171.
Neurofibromatosis, type 1 (NF1). Also called: VON RECKLINGHAUSEN DISEASE; NEUROFIBROMATOSIS, TYPE I, SOMATIC; Neurofibromatosis, type I; Peripheral type neurofibromatosis. Identifiers: Orphanet 636, MedGen C0027831, MONDO:0018975, OMIM 162200. Disease mechanism: loss of function.

Allele frequency attached by ClinVar (database versions not stated): TOPMed 0.00001; gnomAD exomes 0.00002 and 0.00005; ExAC 0.00007; gnomAD 0.00001.
gnomAD v4.1: 30 of 1,586,016 alleles (0.0019%); highest among the groups gnomAD compares: South Asian, 0.03%; no homozygotes.

Submissions (3):

Myriad Genetics, Inc.
Classification: Likely benign for Neurofibromatosis, type 1. Last evaluated: 2026-05-12. Review status: criteria provided, single submitter. Criteria: Myriad Autosomal Dominant, Autosomal Recessive and X-Linked Classification Criteria (2023). Collection method: clinical testing. Allele origin: unknown.
Comment: This variant is considered likely benign. This variant is intronic and is not expected to impact mRNA splicing.

Labcorp Genetics (formerly Invitae), Labcorp
Classification: Likely benign for Neurofibromatosis, type 1. Last evaluated: 2025-12-15. Review status: criteria provided, single submitter. Criteria: Invitae Variant Classification Sherloc (09022015). Collection method: clinical testing. Allele origin: germline.

PreventionGenetics, part of Exact Sciences
Classification: Likely benign for NF1-related condition. Last evaluated: 2022-04-11. Review status: no assertion criteria provided. Collection method: clinical testing. Allele origin: germline. Not counted in ClinVar's aggregate classification.
Comment: This variant is classified as likely benign based on ACMG/AMP sequence variant interpretation guidelines (Richards et al. 2015 PMID: 25741868, with internal and published modifications).

NM_001042492.3(NF1):c.2410-18C>T

Gene: NF1 (neurofibromin 1; plus strand). Cytogenetic location: 17q11.2.
Variant type: single nucleotide variant.
Coding change: c.2410-18C>T on transcript NM_001042492.3 (MANE Select); 18 bases into the intron before coding-DNA position 2410, C replaced by T.
Molecular consequence: intron variant.
Genome position (GRCh38, 1-based): chr17:31,229,007, C>T. VCF-style: chr17-31229007-C-T. GRCh37 (hg19) VCF-style: chr17-29556025-C-T.
Other names: c.2410-18C>T (NM_000267.4).
Identifiers: ClinVar variation 1654307 (VCV001654307.11), dbSNP rs533210843, ClinGen allele CA8485987.